The following is an entry in ClinVar:

NM_207122.2(EXT2):c.371A>T (p.Asn124Ile)

Gene: EXT2 (exostosin glycosyltransferase 2; plus strand). Cytogenetic location: 11p11.2.
Variant type: single nucleotide variant.
Coding change: c.371A>T on transcript NM_207122.2 (MANE Select); coding-DNA position 371, A replaced by T.
Protein change: p.Asn124Ile; replaces asparagine 124 with isoleucine.
Molecular consequence: missense variant.
Genome position (GRCh38, 1-based): chr11:44,108,083, A>T. VCF-style: chr11-44108083-A-T. GRCh37 (hg19) VCF-style: chr11-44129633-A-T.
Other names: c.470A>T, p.Asn157Ile (NM_000401.3); c.371A>T, p.Asn124Ile (NM_001178083.3, NM_001389628.1, NM_001389630.1); short protein forms N124I, N157I.
Identifiers: ClinVar variation 3573613 (VCV003573613.1).

ClinVar aggregate classification (germline): Uncertain significance (1 of 4 stars; one submission).

gnomAD v4.1: 3 of 1,614,192 alleles (0.00019%); highest among the groups gnomAD compares: East Asian, 0.0067%; no homozygotes.

Submission:

GeneDx
Classification: Uncertain significance. Last evaluated: 2024-07-09. Review status: criteria provided, single submitter. Criteria: GeneDx Variant Classification Process June 2021. Collection method: clinical testing. Allele origin: germline. Affected: yes.
Comment: Not observed at significant frequency in large population cohorts (gnomAD); In silico analysis indicates that this missense variant does not alter protein structure/function; Has not been previously published as pathogenic or benign to our knowledge